The following is an entry in ClinVar:

ClinVar aggregate classification (germline): Likely pathogenic. Review status: criteria provided, multiple submitters, no conflicts (2 of 4 stars). 2 submissions from 2 submitters: Likely pathogenic (2). Last evaluated 2025-10-28.

Conditions:
Hereditary breast ovarian cancer syndrome. Also called: Hereditary breast and ovarian cancer syndrome; Hereditary breast and/or ovarian cancer syndrome; Hereditary breast and ovarian cancer; Hereditary breast and ovarian cancer syndrome (HBOC); Breast and ovarian cancer; BRCA1- and BRCA2-Associated Hereditary Breast and Ovarian Cancer. Identifiers: Orphanet 145, MedGen C0677776, MeSH D061325, MONDO:0003582. Disease mechanism: loss of function.

Submissions (2):

Quest Diagnostics Nichols Institute San Juan Capistrano
Classification: Likely pathogenic. Last evaluated: 2025-10-28. Review status: criteria provided, single submitter. Criteria: Quest Diagnostics criteria. Collection method: clinical testing. Allele origin: unknown.
Comment: The BRCA2 c.6841+1G>T variant disrupts a canonical splice-donor site and is predicted to interfere with normal BRCA2 mRNA splicing. This variant has been reported in the published literature in an individual with breast and/or ovarian cancer (PMID: 32438681 (2020)). This variant has not been reported in large, multi-ethnic general populations (Genome Aggregation Database). Based on the available information, this variant is classified as likely pathogenic.

Labcorp Genetics (formerly Invitae), Labcorp
Classification: Likely pathogenic for Hereditary breast ovarian cancer syndrome. Last evaluated: 2025-01-23. Review status: criteria provided, single submitter. Criteria: Invitae Variant Classification Sherloc (09022015). Collection method: clinical testing. Allele origin: germline.
Comment: This sequence change affects a donor splice site in intron 11 of the BRCA2 gene. It is expected to disrupt RNA splicing. Variants that disrupt the donor or acceptor splice site typically lead to a loss of protein function (PMID: 16199547), and loss-of-function variants in BRCA2 are known to be pathogenic (PMID: 20104584). This variant is not present in population databases (gnomAD no frequency). Disruption of this splice site has been observed in individual(s) with breast cancer and/or ovarian cancer (PMID: 32438681). Studies have shown that disruption of this splice site alters BRCA2 gene expression (PMID: 32398771). Studies have shown that disruption of this splice site is associated with altered splicing resulting in multiple RNA products (PMID: 29280214, 32398771). In summary, the currently available evidence indicates that the variant is pathogenic, but additional data are needed to prove that conclusively. Therefore, this variant has been classified as Likely Pathogenic.

Literature cited by the submitters: PubMed 32438681 (cited by Quest Diagnostics Nichols Institute San Juan Capistrano and Labcorp Genetics (formerly Invitae), Labcorp); PubMed 32398771 (cited by Quest Diagnostics Nichols Institute San Juan Capistrano and Labcorp Genetics (formerly Invitae), Labcorp); PubMed 29280214 (cited by Quest Diagnostics Nichols Institute San Juan Capistrano and Labcorp Genetics (formerly Invitae), Labcorp); PubMed 16199547 (cited by Labcorp Genetics (formerly Invitae), Labcorp); PubMed 20104584 (cited by Labcorp Genetics (formerly Invitae), Labcorp).

NM_000059.4(BRCA2):c.6841+1G>T

Gene: BRCA2 (BRCA2 DNA repair associated; plus strand). Cytogenetic location: 13q13.1.
Variant type: single nucleotide variant.
Coding change: c.6841+1G>T on transcript NM_000059.4 (MANE Select); the canonical splice donor site of the intron after coding-DNA position 6841, G replaced by T.
Molecular consequence: splice donor variant. On other transcripts: intron variant (2).
Genome position (GRCh38, 1-based): chr13:32,341,197, G>T. VCF-style: chr13-32341197-G-T. GRCh37 (hg19) VCF-style: chr13-32915334-G-T.
Other names: c.6841+1G>T (NM_001432077.1, NM_001406720.1, NM_001406719.1 and 1 more transcripts); c.1910-3361G>T (NM_001406721.1); c.425-3361G>T (NM_001406722.1).
Identifiers: ClinVar variation 3724249 (VCV003724249.3).